The following is an entry in ClinVar:

NM_017617.5(NOTCH1):c.1342del (p.Arg448fs)

Gene: NOTCH1 (notch receptor 1; minus strand). Cytogenetic location: 9q34.3.
Variant type: Deletion.
Coding change: c.1342del on transcript NM_017617.5 (MANE Select); coding-DNA position 1342, one base deleted (C; older notation c.1342delC).
Protein change: p.Arg448fs; shifts the reading frame from arginine 448.
Molecular consequence: frameshift variant.
Genome position (GRCh38, 1-based): chr9:136,517,851, G deleted on the plus strand (C on the coding strand, the reverse complement: NOTCH1 is on the minus strand); the first of 5 consecutive G bases (chr9:136,517,851-136,517,855); deleting any one gives the same sequence. VCF-style (leftmost placement, unchanged base first): chr9-136517850-CG-C. GRCh37 (hg19) VCF-style: chr9-139412302-CG-C.
Other names: short protein forms R448fs.
Identifiers: ClinVar variation 4813440 (VCV004813440.1).

ClinVar aggregate classification (germline): Pathogenic (1 of 4 stars; one submission).

Conditions:
Adams-Oliver syndrome 5 (AOS5). Identifiers: Orphanet 974, MedGen C4014970, MONDO:0014459, OMIM 616028.

Submission:

MVZ Praenatalmedizin und Genetik Nuernberg
Classification: Pathogenic for Adams-Oliver syndrome 5. Last evaluated: 2024-08-21. Review status: criteria provided, single submitter. Criteria: ACMG Guidelines, 2015. Collection method: clinical testing. Allele origin: paternal. Affected: yes.
Comment: This variant leads to a frameshift in exon 8 and a premature stop codon and is therefore considered pathogenic due to loss of function. Accordingly in ClinVar a very similar variant (p.Arg488Ter) and also several downstream loss-of-function variants in this gene are also listed as likely pathogenic or pathogenic.